The following is an entry in ClinVar:

NM_020821.3(VPS13C):c.10232A>T (p.Lys3411Ile)

Gene: VPS13C (vacuolar protein sorting 13 homolog C; minus strand). Cytogenetic location: 15q22.2.
Variant type: single nucleotide variant.
Coding change: c.10232A>T on transcript NM_020821.3 (MANE Select); coding-DNA position 10232, A replaced by T.
Protein change: p.Lys3411Ile; replaces lysine 3411 with isoleucine.
Molecular consequence: missense variant.
Genome position (GRCh38, 1-based): chr15:61,875,838, T>A on the plus strand (A>T on the coding strand, the complement: VPS13C is on the minus strand). VCF-style: chr15-61875838-T-A. GRCh37 (hg19) VCF-style: chr15-62168037-T-A.
Other names: c.10103A>T, p.Lys3368Ile (NM_018080.4, NM_017684.5); c.10232A>T, p.Lys3411Ile (NM_001018088.3); short protein forms K3368I, K3411I.
Identifiers: ClinVar variation 2645398 (VCV002645398.24), dbSNP rs2547809933, ClinGen allele CA392671416.

ClinVar aggregate classification (germline): Uncertain significance (1 of 4 stars; one submission).

Submission:

CeGaT Center for Human Genetics Tuebingen
Classification: Uncertain significance. Last evaluated: 2023-08-01. Review status: criteria provided, single submitter. Criteria: CeGaT Center For Human Genetics Tuebingen Variant Classification Criteria Version 2. Collection method: clinical testing. Allele origin: germline. Affected: yes. Observed: 1 variant allele.
Comment: VPS13C: PM2, PP3